The following is an entry in ClinVar:

ClinVar aggregate classification (germline): Uncertain significance. Review status: criteria provided, multiple submitters, no conflicts (2 of 4 stars). 4 submissions from 4 submitters: Uncertain significance (4). Last evaluated 2026-02-02.

Conditions:
Hereditary cancer-predisposing syndrome. Also called: Tumor predisposition; Hereditary Cancer Syndrome; Hereditary neoplastic syndrome; Neoplastic Syndromes, Hereditary. Identifiers: Orphanet 140162, MedGen C0027672, MeSH D009386, MONDO:0015356.
Microcephaly, normal intelligence and immunodeficiency (NBS). Also called: Nijmegen breakage syndrome; Microcephaly with normal intelligence immunodeficiency and lymphoreticular malignancies; Nonsyndromal microcephaly autosomal recessive with normal intelligence; Seemanova syndrome 2; Immunodeficiency, microcephaly with normal intelligence; IMMUNODEFICIENCY, MICROCEPHALY, AND CHROMOSOMAL INSTABILITY. Identifiers: Orphanet 647, MedGen C0398791, MONDO:0009623, OMIM 251260.

Allele frequency attached by ClinVar (database versions not stated): gnomAD exomes below 0.00001.

Submissions (4):

Women's Health and Genetics/Laboratory Corporation of America, LabCorp
Classification: Uncertain significance. Last evaluated: 2026-02-02. Review status: criteria provided, single submitter. Criteria: LabCorp Variant Classification Summary - May 2015. Collection method: clinical testing. Allele origin: germline.
Comment: Variant summary: NBN c.737G>A (p.Gly246Asp) results in a non-conservative amino acid change in the encoded protein sequence. Algorithms developed to predict the effect of missense changes on protein structure and function all suggest that this variant is likely to be disruptive. The variant was absent in 251058 control chromosomes. The available data on variant occurrences in the general population are insufficient to allow any conclusion about variant significance. c.737G>A has been observed in the presumed heterozygou state in at least 1 individual(s) affected with ovarian cancer (example, Ramus_2015). These report(s) do not provide unequivocal conclusions about association of the variant with Nijmegen Breakage Syndrome. To our knowledge, no experimental evidence demonstrating an impact on protein function has been reported. The following publications have been ascertained in the context of this evaluation (PMID: 26315354, 28481359). ClinVar contains an entry for this variant (Variation ID: 480047). Based on the evidence outlined above, the variant was classified as uncertain significance.

Ambry Genetics
Classification: Uncertain significance for Hereditary cancer-predisposing syndrome. Last evaluated: 2025-12-18. Review status: criteria provided, single submitter. Criteria: Ambry Variant Classification Scheme 2023. Collection method: clinical testing. Allele origin: germline.
Comment: The p.G246D variant (also known as c.737G>A), located in coding exon 7 of the NBN gene, results from a G to A substitution at nucleotide position 737. The glycine at codon 246 is replaced by aspartic acid, an amino acid with similar properties. In a large European study, this alteration was detected in 1/3236 women with epithelial ovarian cancer and 0/3431 healthy controls (Ramus SJ et al. J. Natl. Cancer Inst. 2015 Nov;107). This amino acid position is highly conserved in available vertebrate species. In addition, this alteration is predicted to be deleterious by in silico analysis. Since supporting evidence is limited at this time, the clinical significance of this alteration remains unclear.

Labcorp Genetics (formerly Invitae), Labcorp
Classification: Uncertain significance for Microcephaly, normal intelligence and immunodeficiency. Last evaluated: 2024-05-20. Review status: criteria provided, single submitter. Criteria: Invitae Variant Classification Sherloc (09022015). Collection method: clinical testing. Allele origin: germline.
Comment: This sequence change replaces glycine, which is neutral and non-polar, with aspartic acid, which is acidic and polar, at codon 246 of the NBN protein (p.Gly246Asp). This variant is not present in population databases (gnomAD no frequency). This missense change has been observed in individual(s) with ovarian cancer (PMID: 26315354). ClinVar contains an entry for this variant (Variation ID: 480047). An algorithm developed to predict the effect of missense changes on protein structure and function (PolyPhen-2) suggests that this variant is likely to be disruptive. In summary, the available evidence is currently insufficient to determine the role of this variant in disease. Therefore, it has been classified as a Variant of Uncertain Significance.

Genome-Nilou Lab
Classification: Uncertain significance for Microcephaly, normal intelligence and immunodeficiency. Last evaluated: 2021-11-07. Review status: criteria provided, single submitter. Criteria: ACMG Guidelines, 2015. Collection method: clinical testing. Allele origin: germline. Affected: no.

Literature cited by the submitters: PubMed 26315354 (cited by 3 submitters); PubMed 28481359 (cited by Women's Health and Genetics/Laboratory Corporation of America, LabCorp).

NM_002485.5(NBN):c.737G>A (p.Gly246Asp)

Gene: NBN (nibrin; minus strand). Cytogenetic location: 8q21.3.
Variant type: single nucleotide variant.
Coding change: c.737G>A on transcript NM_002485.5 (MANE Select); coding-DNA position 737, G replaced by A.
Protein change: p.Gly246Asp; replaces glycine 246 with aspartic acid.
Molecular consequence: missense variant.
Genome position (GRCh38, 1-based): chr8:89,970,523, C>T on the plus strand (G>A on the coding strand, the complement: NBN is on the minus strand). VCF-style: chr8-89970523-C-T. GRCh37 (hg19) VCF-style: chr8-90982751-C-T.
Other names: c.491G>A, p.Gly164Asp (NM_001024688.3); short protein forms G246D, G164D.
Identifiers: ClinVar variation 480047 (VCV000480047.16), dbSNP rs1554564023, ClinGen allele CA371658825.
Genomic context (GRCh38, chr8:89,970,523, plus strand): 5'-GGAGCCAAAAAGAAATTATGTTCTTCTTCATTCTCTTCTGTTATCAACCTAGCTTCCCCA[C>T]CTCCAAAGACAACTGCGGAACTCAATTTCTTATGCTAAAAATGGAAGGAAACATTTTTTA-3'
Protein context (NP_002476.2, residues 236-256): KKLSSAVVFG[Gly246Asp]GEARLITEEN